The following is an entry in ClinVar:

ClinVar aggregate classification (germline): Uncertain significance (1 of 4 stars; one submission).

Conditions:
Hereditary cancer-predisposing syndrome. Also called: Hereditary Cancer Syndrome; Hereditary neoplastic syndrome; Neoplastic Syndromes, Hereditary; Tumor predisposition. Identifiers: Orphanet 140162, MedGen C0027672, MeSH D009386, MONDO:0015356.

Submission:

Ambry Genetics
Classification: Uncertain significance for Hereditary cancer-predisposing syndrome. Last evaluated: 2020-03-30. Review status: criteria provided, single submitter. Criteria: Ambry Variant Classification Scheme 2023. Collection method: clinical testing. Allele origin: germline.
Comment: The p.P486L variant (also known as c.1457C>T), located in coding exon 14 of the NF2 gene, results from a C to T substitution at nucleotide position 1457. The proline at codon 486 is replaced by leucine, an amino acid with similar properties. This amino acid position is not well conserved in available vertebrate species. In addition, this alteration is predicted to be tolerated by in silico analysis. Since supporting evidence is limited at this time, the clinical significance of this alteration remains unclear.

NM_000268.4(NF2):c.1457C>T (p.Pro486Leu)

Gene: NF2 (NF2, moesin-ezrin-radixin like (MERLIN) tumor suppressor; plus strand). Cytogenetic location: 22q12.2.
Variant type: single nucleotide variant.
Coding change: c.1457C>T on transcript NM_000268.4 (MANE Select); coding-DNA position 1457, C replaced by T.
Protein change: p.Pro486Leu; replaces proline 486 with leucine.
Molecular consequence: missense variant. On other transcripts: non-coding transcript variant (1), intron variant (1).
Genome position (GRCh38, 1-based): chr22:29,678,206, C>T. VCF-style: chr22-29678206-C-T. GRCh37 (hg19) VCF-style: chr22-30074195-C-T.
Other names: c.1343C>T, p.Pro448Leu (NM_001407053.1, NM_001407056.1); c.1334C>T, p.Pro445Leu (NM_001407054.1, NM_001407058.1, NM_181829.3); c.1331C>T, p.Pro444Leu (NM_001407055.1, NM_181828.3); c.1322C>T, p.Pro441Leu (NM_001407057.1, NM_001407059.1); c.1457C>T, p.Pro486Leu (NM_001407060.1, NM_001407066.1, NM_016418.5 and 2 more transcripts); c.1199C>T, p.Pro400Leu (NM_001407062.1); c.1208C>T, p.Pro403Leu (NM_001407063.1, NM_001407064.1, NM_181830.3 and 1 more transcripts); c.923C>T, p.Pro308Leu (NM_001407065.1); and 2 more; short protein forms P308L, P400L, P403L, P441L, P448L, P445L, P444L, P409L.
Identifiers: ClinVar variation 1773078 (VCV001773078.2), dbSNP rs2518711462, ClinGen allele CA411149558.